The following is an entry in ClinVar:

NM_006231.4(POLE):c.1068C>A (p.Pro356=)

Gene: POLE (DNA polymerase epsilon, catalytic subunit; minus strand). Cytogenetic location: 12q24.33.
Variant type: single nucleotide variant.
Coding change: c.1068C>A on transcript NM_006231.4 (MANE Select); coding-DNA position 1068, C replaced by A.
Protein change: p.Pro356=; no amino-acid change (proline 356 retained).
Molecular consequence: synonymous variant.
Genome position (GRCh38, 1-based): chr12:132,675,773, G>T on the plus strand (C>A on the coding strand, the complement: POLE is on the minus strand). VCF-style: chr12-132675773-G-T. GRCh37 (hg19) VCF-style: chr12-133252359-G-T.
Identifiers: ClinVar variation 3904277 (VCV003904277.1).

ClinVar aggregate classification (germline): Benign (1 of 4 stars; one submission).

Conditions:
Colorectal cancer, susceptibility to, 12 (CRCS12). Also called: COLORECTAL CANCER, SUSCEPTIBILITY TO, ON CHROMOSOME 12q24. Identifiers: Orphanet 220460, MedGen C3554460, MONDO:0014038, OMIM 615083.

Submission:

Myriad Genetics, Inc.
Classification: Benign for Colorectal cancer, susceptibility to, 12. Last evaluated: 2025-02-10. Review status: criteria provided, single submitter. Criteria: Myriad Autosomal Dominant, Autosomal Recessive and X-Linked Classification Criteria (2023). Collection method: clinical testing. Allele origin: unknown.
Comment: This variant is considered benign. This variant is a silent/synonymous amino acid change and it is not expected to impact splicing.